The following is an entry in ClinVar:

NM_003227.4(TFR2):c.1996-1G>C

Genes: TFR2 (transferrin receptor 2; minus strand), LOC113687175 (Sharpr-MPRA regulatory region 4647; plus strand). Cytogenetic location: 7q22.1.
Variant type: single nucleotide variant.
Coding change: c.1996-1G>C on transcript NM_003227.4 (MANE Select); the canonical splice acceptor site of the intron before coding-DNA position 1996, G replaced by C.
Molecular consequence: splice acceptor variant.
Genome position (GRCh38, 1-based): chr7:100,626,904, C>G on the plus strand (G>C on the coding strand, the complement: TFR2 is on the minus strand). VCF-style: chr7-100626904-C-G. GRCh37 (hg19) VCF-style: chr7-100224527-C-G.
Other names: c.1483-1G>C (NM_001206855.3).
Identifiers: ClinVar variation 4815098 (VCV004815098.1).

ClinVar aggregate classification (germline): Likely pathogenic (1 of 4 stars; one submission).

Conditions:
Hemochromatosis type 3 (HFE3). Also called: HEMOCHROMATOSIS DUE TO DEFECT IN TRANSFERRIN RECEPTOR 2; Hereditary hemochromatosis type 3; TFR2-Related Hemochromatosis. Identifiers: Orphanet 225123, MedGen C1858664, MONDO:0011417, OMIM 604250.

Submission:

Natera, Inc.
Classification: Likely pathogenic for Hereditary hemochromatosis type 3. Last evaluated: 2025-11-07. Review status: criteria provided, single submitter. Criteria: Natera Variant Classification Schema (03/2026). Collection method: clinical testing. Allele origin: germline.
Comment: The c.1996-1G>C variant in TFR2 is a canonical splice acceptor site variant predicted to affect pre-mRNA splicing, which may result in an abnormal transcript and altered protein product. This variant is expected to result in nonsense mediated decay, truncation, or a dysfunctional protein product. This variant is rare in the general population with a frequency below the threshold expected for the associated phenotype(s). Given the available evidence, this variant is classified as Likely Pathogenic.